The following is an entry in ClinVar:

ClinVar aggregate classification (germline): Pathogenic (1 of 4 stars; one submission).

Allele frequency attached by ClinVar (database versions not stated): gnomAD exomes below 0.00001; gnomAD 0.00001.

Submission:

Labcorp Genetics (formerly Invitae), Labcorp
Classification: Pathogenic. Last evaluated: 2022-11-24. Review status: criteria provided, single submitter. Criteria: Invitae Variant Classification Sherloc (09022015). Collection method: clinical testing. Allele origin: germline.
Comment: This sequence change creates a premature translational stop signal (p.Ala775Glyfs*41) in the COL18A1 gene. It is expected to result in an absent or disrupted protein product. Loss-of-function variants in COL18A1 are known to be pathogenic (PMID: 12415512, 25456301). This variant is not present in population databases (gnomAD no frequency). This variant has not been reported in the literature in individuals affected with COL18A1-related conditions. For these reasons, this variant has been classified as Pathogenic.

Literature cited by the submitters: PubMed 12415512; PubMed 25456301.

NM_001379500.1(COL18A1):c.2324_2327del (p.Ala775fs)

Gene: COL18A1 (collagen type XVIII alpha 1 chain; plus strand). Cytogenetic location: 21q22.3.
Variant type: Deletion.
Coding change: c.2324_2327del on transcript NM_001379500.1 (MANE Select); coding-DNA positions 2324 to 2327, 4 bases deleted (CCCT; older notation c.2324_2327delCCCT).
Protein change: p.Ala775fs; shifts the reading frame from alanine 775.
Molecular consequence: frameshift variant.
Genome position (GRCh38, 1-based): chr21:45,493,547-45,493,550, CCCT deleted. VCF-style (leftmost placement, unchanged base first): chr21-45493546-GCCCT-G. GRCh37 (hg19) VCF-style: chr21-46913460-GCCCT-G.
Other names: c.2864_2867del, p.Ala955fs (NM_030582.4); c.3569_3572del, p.Ala1190fs (NM_130444.3); short protein forms A1190fs, A775fs, A955fs.
Identifiers: ClinVar variation 2816523 (VCV002816523.3), dbSNP rs2036431734, ClinGen allele CA1022810632.
Genomic context (GRCh38, chr21:45,493,546, plus strand): 5'-CTCCTGCCATTCCAGGGTGAGAAGGGTGAACCGGGCAGCATCTTCAGCCCCGACGGCGGT[GCCCT>G]GGGCCCTGCCCAGAAAGGAGCCAAGGTGAGGGCCGGGCAGCCTCCTTCCGGCAGGCGTGG-3'